The following is an entry in ClinVar:

ClinVar aggregate classification (germline): Likely benign. Review status: criteria provided, multiple submitters, no conflicts (2 of 4 stars). 3 submissions from 3 submitters: Likely benign (2). 1 of the submissions does not count toward it. Last evaluated 2025-06-30.

Conditions:
GLI3-related disorder. Also called: GLI3-related disorders; GLI3-related condition. Identifiers: MedGen CN239292.
Greig cephalopolysyndactyly syndrome (GCPS). Also called: POLYSYNDACTYLY WITH PECULIAR SKULL SHAPE; Greig syndrome; GLI3-Related Greig Cephalopolysyndactyly Syndrome. Identifiers: Orphanet 380, MedGen C0265306, MONDO:0008287, OMIM 175700.
Pallister-Hall syndrome (PHS). Also called: HYPOTHALAMIC HAMARTOBLASTOMA, HYPOPITUITARISM, IMPERFORATE ANUS, AND POSTAXIAL POLYDACTYLY; GLI3-Related Pallister-Hall Syndrome. Identifiers: Orphanet 672, MedGen C0265220, MONDO:0007804, OMIM 146510.

Allele frequency attached by ClinVar (database versions not stated): gnomAD 0.00010; ESP Exome Variant Server 0.00023.
gnomAD v4.1: 71 of 1,613,684 alleles (0.0044%); highest among the groups gnomAD compares: African/African-American, 0.016%; no homozygotes.

Submissions (3):

Labcorp Genetics (formerly Invitae), Labcorp
Classification: Likely benign for Pallister-Hall syndrome; Greig cephalopolysyndactyly syndrome. Last evaluated: 2025-06-30. Review status: criteria provided, single submitter. Criteria: Invitae Variant Classification Sherloc (09022015). Collection method: clinical testing. Allele origin: germline.

Blueprint Genetics
Classification: Likely benign. Last evaluated: 2024-10-30. Review status: criteria provided, single submitter. Criteria: ACMG Guidelines, 2015. Collection method: clinical testing. Allele origin: germline.

PreventionGenetics, part of Exact Sciences
Classification: Likely benign for GLI3-related condition. Last evaluated: 2021-10-12. Review status: no assertion criteria provided. Collection method: clinical testing. Allele origin: germline. Not counted in ClinVar's aggregate classification.
Comment: This variant is classified as likely benign based on ACMG/AMP sequence variant interpretation guidelines (Richards et al. 2015 PMID: 25741868, with internal and published modifications).

NM_000168.6(GLI3):c.936G>A (p.Thr312=)

Gene: GLI3 (GLI family zinc finger 3; minus strand). Cytogenetic location: 7p14.1.
Variant type: single nucleotide variant.
Coding change: c.936G>A on transcript NM_000168.6 (MANE Select); coding-DNA position 936, G replaced by A.
Protein change: p.Thr312=; no amino-acid change (threonine 312 retained).
Molecular consequence: synonymous variant.
Genome position (GRCh38, 1-based): chr7:42,040,130, C>T on the plus strand (G>A on the coding strand, the complement: GLI3 is on the minus strand). VCF-style: chr7-42040130-C-T. GRCh37 (hg19) VCF-style: chr7-42079729-C-T.
Identifiers: ClinVar variation 3054733 (VCV003054733.5), dbSNP rs200965295, ClinGen allele CA4231015.